The following is an entry in ClinVar:

NM_001286.5(CLCN6):c.2282C>G (p.Ser761Cys)

Gene: CLCN6 (Cl-/H+ antiporter 6; plus strand). Cytogenetic location: 1p36.22.
Variant type: single nucleotide variant.
Coding change: c.2282C>G on transcript NM_001286.5 (MANE Select); coding-DNA position 2282, C replaced by G.
Protein change: p.Ser761Cys; replaces serine 761 with cysteine.
Molecular consequence: missense variant. On other transcripts: non-coding transcript variant (1).
Genome position (GRCh38, 1-based): chr1:11,837,486, C>G. VCF-style: chr1-11837486-C-G. GRCh37 (hg19) VCF-style: chr1-11897543-C-G.
Other names: c.2216C>G, p.Ser739Cys (NM_001256959.2); short protein forms S761C, S739C.
Identifiers: ClinVar variation 1960184 (VCV001960184.5), dbSNP rs561944828, ClinGen allele CA596764.

ClinVar aggregate classification (germline): Uncertain significance (1 of 4 stars; one submission).

Allele frequency attached by ClinVar (database versions not stated): 1000 Genomes Project 0.00040; ExAC 0.00002; gnomAD 0.00002; gnomAD exomes 0.00001; 1000 Genomes Project 30x 0.00031.
gnomAD v4.1: 14 of 1,613,664 alleles (0.00087%); highest among the groups gnomAD compares: East Asian, 0.027%; no homozygotes.

Submission:

Labcorp Genetics (formerly Invitae), Labcorp
Classification: Uncertain significance. Last evaluated: 2025-07-24. Review status: criteria provided, single submitter. Criteria: Invitae Variant Classification Sherloc (09022015). Collection method: clinical testing. Allele origin: germline.
Comment: This sequence change replaces serine, which is neutral and polar, with cysteine, which is neutral and slightly polar, at codon 761 of the CLCN6 protein (p.Ser761Cys). This variant is present in population databases (rs561944828, gnomAD 0.06%). This variant has not been reported in the literature in individuals affected with CLCN6-related conditions. ClinVar contains an entry for this variant (Variation ID: 1960184). An algorithm developed to predict the effect of missense changes on protein structure and function (PolyPhen-2) suggests that this variant is likely to be disruptive. In summary, the available evidence is currently insufficient to determine the role of this variant in disease. Therefore, it has been classified as a Variant of Uncertain Significance.